The following is an entry in ClinVar:

NM_005199.5(CHRNG):c.920+93C>G

Gene: CHRNG (cholinergic receptor nicotinic gamma subunit; plus strand). Cytogenetic location: 2q37.1.
Variant type: single nucleotide variant.
Coding change: c.920+93C>G on transcript NM_005199.5 (MANE Select); 93 bases into the intron after coding-DNA position 920, C replaced by G.
Molecular consequence: intron variant.
Genome position (GRCh38, 1-based): chr2:232,543,482, C>G. VCF-style: chr2-232543482-C-G. GRCh37 (hg19) VCF-style: chr2-233408192-C-G.
Identifiers: ClinVar variation 1706788 (VCV001706788.2), dbSNP rs189055176, ClinGen allele CA66969351.

ClinVar aggregate classification (germline): Likely benign (1 of 4 stars; one submission).

Allele frequency attached by ClinVar (database versions not stated): 1000 Genomes Project 0.00300.
gnomAD v4.1: 901 of 1,159,954 alleles (0.078%); highest among the groups gnomAD compares: African/African-American, 1.4%; 2 homozygotes.

Submission:

GeneDx
Classification: Likely benign. Last evaluated: 2021-10-30. Review status: criteria provided, single submitter. Criteria: GeneDx Variant Classification Process June 2021. Collection method: clinical testing. Allele origin: germline. Affected: yes.
Comment: See Variant Classification Assertion Criteria.